The following is an entry in ClinVar:

ClinVar aggregate classification (germline): Uncertain significance (1 of 4 stars; one submission).

Conditions:
Sulfite oxidase deficiency due to molybdenum cofactor deficiency type A. Also called: Molybdenum cofactor deficiency, complementation group A; Molybdenum Cofactor Deficiency A. Identifiers: Orphanet 308386, Orphanet 833, MedGen C1854988, MONDO:0009643, OMIM 252150.

Allele frequency attached by ClinVar (database versions not stated): gnomAD exomes below 0.00001; gnomAD 0.00001; 1000 Genomes Project 30x 0.00016; 1000 Genomes Project 0.00020.

Submission:

Labcorp Genetics (formerly Invitae), Labcorp
Classification: Uncertain significance for Sulfite oxidase deficiency due to molybdenum cofactor deficiency type A. Last evaluated: 2022-03-04. Review status: criteria provided, single submitter. Criteria: Invitae Variant Classification Sherloc (09022015). Collection method: clinical testing. Allele origin: germline.
Comment: This sequence change replaces alanine, which is neutral and non-polar, with valine, which is neutral and non-polar, at codon 39 of the MOCS1 protein (p.Ala39Val). This variant is present in population databases (rs376634301, gnomAD 0.03%). This variant has not been reported in the literature in individuals affected with MOCS1-related conditions. Algorithms developed to predict the effect of missense changes on protein structure and function are either unavailable or do not agree on the potential impact of this missense change (SIFT: "Not Available"; PolyPhen-2: "Benign"; Align-GVGD: "Not Available"). In summary, the available evidence is currently insufficient to determine the role of this variant in disease. Therefore, it has been classified as a Variant of Uncertain Significance.

NM_001358530.2(MOCS1):c.116C>T (p.Ala39Val)

Gene: MOCS1 (molybdenum cofactor synthesis 1; minus strand). Cytogenetic location: 6p21.2.
Variant type: single nucleotide variant.
Coding change: c.116C>T on transcript NM_001358530.2 (MANE Select); coding-DNA position 116, C replaced by T.
Protein change: p.Ala39Val; replaces alanine 39 with valine.
Molecular consequence: missense variant. On other transcripts: 5 prime UTR variant (2), non-coding transcript variant (1).
Genome position (GRCh38, 1-based): chr6:39,934,302, G>A on the plus strand (C>T on the coding strand, the complement: MOCS1 is on the minus strand). VCF-style: chr6-39934302-G-A. GRCh37 (hg19) VCF-style: chr6-39902041-G-A.
Other names: c.116C>T, p.Ala39Val (NM_001075098.4, NM_001358529.2); c.-19C>T (NM_001358531.2, NM_001358533.2); short protein forms A39V.
Identifiers: ClinVar variation 2169326 (VCV002169326.1), dbSNP rs376634301, ClinGen allele CA3796496.
Genomic context (GRCh38, chr6:39,934,302, plus strand): 5'-GCCGGGGCCACTCCTGCCCCGGGAAGCTGTGGACGCAGGCGGGGTGGGCTCACCTCCGAG[G>A]CAGCTCGCGCGGACTCCCCGGGGCAGGGCTGGGTCACCGGAGCCCCTGAGCTGCAGCTCC-3'
Protein context (NP_001345459.1, residues 29-49): QPCPGESARA[Ala39Val]SEEVSRRRQF